The following is an entry in ClinVar:

NM_014991.6(WDFY3):c.4217A>G (p.Gln1406Arg)

Gene: WDFY3 (WD repeat and FYVE domain containing 3; minus strand). Cytogenetic location: 4q21.23.
Variant type: single nucleotide variant.
Coding change: c.4217A>G on transcript NM_014991.6 (MANE Select); coding-DNA position 4217, A replaced by G.
Protein change: p.Gln1406Arg; replaces glutamine 1406 with arginine.
Molecular consequence: missense variant.
Genome position (GRCh38, 1-based): chr4:84,780,256, T>C on the plus strand (A>G on the coding strand, the complement: WDFY3 is on the minus strand). VCF-style: chr4-84780256-T-C. GRCh37 (hg19) VCF-style: chr4-85701409-T-C.
Other names: short protein forms Q1406R.
Identifiers: ClinVar variation 4755898 (VCV004755898.1).

ClinVar aggregate classification (germline): Uncertain significance (1 of 4 stars; one submission).

Submission:

GeneDx
Classification: Uncertain significance. Last evaluated: 2025-08-05. Review status: criteria provided, single submitter. Criteria: GeneDx Variant Classification Process June 2021. Collection method: clinical testing. Allele origin: germline. Affected: yes.
Comment: Not observed at significant frequency in large population cohorts (gnomAD); In silico analysis suggests that this missense variant does not alter protein structure/function; Has not been previously published as pathogenic or benign to our knowledge